The following is an entry in ClinVar:

NM_001386135.1(AFF3):c.2861C>G (p.Ser954Cys)

Gene: AFF3 (ALF transcription elongation factor 3; minus strand). Cytogenetic location: 2q11.2.
Variant type: single nucleotide variant.
Coding change: c.2861C>G on transcript NM_001386135.1 (MANE Select); coding-DNA position 2861, C replaced by G.
Protein change: p.Ser954Cys; replaces serine 954 with cysteine.
Molecular consequence: missense variant.
Genome position (GRCh38, 1-based): chr2:99,578,384, G>C on the plus strand (C>G on the coding strand, the complement: AFF3 is on the minus strand). VCF-style: chr2-99578384-G-C. GRCh37 (hg19) VCF-style: chr2-100194846-G-C.
Other names: c.2861C>G (NM_002285.2); c.2861C>G, p.Ser954Cys (NM_002285.3); c.2936C>G, p.Ser979Cys (NM_001025108.2); short protein forms S954C, S979C.
Identifiers: ClinVar variation 2651184 (VCV002651184.24), dbSNP rs114030857, ClinGen allele CA1800756.
Genomic context (GRCh38, chr2:99,578,384, plus strand): 5'-TACATATCATCGAAGACAAGTTTCTGCCTCTTGCAGTCCCTGTGGCCGTTGGAGCCTGGA[G>C]ACCACGGCTTCGTCTGCGGCCGTGACTTGTGGAGGGGAATGTTTTCAGAATTGTTGTGAG-3'
Protein context (NP_001373064.1, residues 944-964): HKSRPQTKPW[Ser954Cys]PGSNGHRDCK

ClinVar aggregate classification (germline): Benign. Review status: criteria provided, single submitter (1 of 4 stars). 2 submissions from 2 submitters: Benign (1). 1 of the submissions does not count toward it. Last evaluated 2024-03-01.

Conditions:
AFF3-related disorder. Also called: AFF3-related condition.

Allele frequency attached by ClinVar (database versions not stated): gnomAD exomes 0.00030; ExAC 0.00096; gnomAD 0.00303; ESP Exome Variant Server 0.00331; TOPMed 0.00341; 1000 Genomes Project 0.00499; 1000 Genomes Project 30x 0.00578.
gnomAD v4.1: 913 of 1,611,342 alleles (0.057%); highest among the groups gnomAD compares: African/African-American, 1.1%; 5 homozygotes.

Submissions (2):

CeGaT Center for Human Genetics Tuebingen
Classification: Benign. Last evaluated: 2024-03-01. Review status: criteria provided, single submitter. Criteria: CeGaT Center For Human Genetics Tuebingen Variant Classification Criteria Version 2. Collection method: clinical testing. Allele origin: germline. Affected: yes. Observed: 2 variant alleles.
Comment: AFF3: BP4, BS1, BS2

PreventionGenetics, part of Exact Sciences
Classification: Benign for AFF3-related condition. Last evaluated: 2024-05-18. Review status: no assertion criteria provided. Collection method: clinical testing. Allele origin: germline. Not counted in ClinVar's aggregate classification.
Comment: This variant is classified as benign based on ACMG/AMP sequence variant interpretation guidelines (Richards et al. 2015 PMID: 25741868, with internal and published modifications).